The following is an entry in ClinVar:

ClinVar aggregate classification (germline): Benign. Review status: criteria provided, multiple submitters, no conflicts (2 of 4 stars). 7 submissions from 7 submitters: Benign (6). 1 of the submissions does not count toward it. Last evaluated 2026-02-04.

Conditions:
Fetal akinesia deformation sequence 1 (FADS1). Also called: Fetal akinesia sequence; Pena-Shokeir syndrome type I. Identifiers: Orphanet 994, MedGen C1276035, MONDO:0100101, OMIM 208150, HP:0001989.
Congenital myasthenic syndrome 10. Also called: Myasthenia, limb-girdle, familial. Identifiers: Orphanet 590, MedGen C1850792, MONDO:0009690, OMIM 254300.

Allele frequency attached by ClinVar (database versions not stated): gnomAD 0.01345 and 0.01415; ESP Exome Variant Server 0.01432; TOPMed 0.01477; 1000 Genomes Project 0.01657; 1000 Genomes Project 30x 0.01968.
gnomAD v4.1: 5,122 of 1,594,468 alleles (0.32%); highest among the groups gnomAD compares: African/African-American, 4.2%; 80 homozygotes.

Submissions (7):

Labcorp Genetics (formerly Invitae), Labcorp
Classification: Benign for Congenital myasthenic syndrome 10; Fetal akinesia deformation sequence 1. Last evaluated: 2026-02-04. Review status: criteria provided, single submitter. Criteria: Invitae Variant Classification Sherloc (09022015). Collection method: clinical testing. Allele origin: germline.

Mayo Clinic Laboratories, Mayo Clinic
Classification: Benign. Last evaluated: 2023-09-26. Review status: criteria provided, single submitter. Criteria: ACMG Guidelines, 2015. Collection method: clinical testing. Allele origin: germline. Observed: 11 variant alleles.
Comment: BS1, BS2, BP4, BP7

GeneDx
Classification: Benign. Last evaluated: 2017-08-03. Review status: criteria provided, single submitter. Criteria: GeneDx Variant Classification (06012015). Collection method: clinical testing. Allele origin: germline. Affected: yes.
Comment: This variant is considered likely benign or benign based on one or more of the following criteria: it is a conservative change, it occurs at a poorly conserved position in the protein, it is predicted to be benign by multiple in silico algorithms, and/or has population frequency not consistent with disease.

Eurofins Ntd Llc (ga)
Classification: Benign. Last evaluated: 2014-12-16. Review status: criteria provided, single submitter. Criteria: EGL Classification Definitions 2015. Collection method: clinical testing. Allele origin: germline. Observed: 1 variant allele, 1 heterozygote.

Breakthrough Genomics
Classification: Benign. Review status: criteria provided, single submitter. Criteria: ACMG Guidelines, 2015. Collection method: not provided. Allele origin: germline. Inheritance: Autosomal recessive inheritance. Affected: yes.

PreventionGenetics, part of Exact Sciences
Classification: Benign. Review status: criteria provided, single submitter. Criteria: ACMG Guidelines, 2015. Collection method: clinical testing. Allele origin: germline.

Genetic Services Laboratory, University of Chicago
Classification: Likely benign for AllHighlyPenetrant. Review status: no assertion criteria provided. Collection method: clinical testing. Allele origin: germline. Inheritance: Autosomal recessive inheritance. Not counted in ClinVar's aggregate classification.
Comment: Likely benign based on allele frequency in 1000 Genomes Project or ESP global frequency and its presence in a patient with a rare or unrelated disease phenotype. NOT Sanger confirmed.

NM_173660.5(DOK7):c.1143C>T (p.Pro381=)

Gene: DOK7 (docking protein 7; plus strand). Cytogenetic location: 4p16.3.
Variant type: single nucleotide variant.
Coding change: c.1143C>T on transcript NM_173660.5 (MANE Select); coding-DNA position 1143, C replaced by T.
Protein change: p.Pro381=; no amino-acid change (proline 381 retained).
Molecular consequence: synonymous variant. On other transcripts: 3 prime UTR variant (1).
Genome position (GRCh38, 1-based): chr4:3,493,129, C>T. VCF-style: chr4-3493129-C-T. GRCh37 (hg19) VCF-style: chr4-3494856-C-T.
Other names: p.Pro381=; c.*364C>T (NM_001164673.2); c.213C>T, p.Pro71= (NM_001256896.2); c.1143C>T, p.Pro381= (NM_001301071.2); c.711C>T, p.Pro237= (NM_001363811.2).
Identifiers: ClinVar variation 128906 (VCV000128906.23), dbSNP rs56769879, ClinGen allele CA152591.